The following is an entry in ClinVar:

ClinVar aggregate classification (germline): Likely benign (1 of 4 stars; one submission).

gnomAD v4.1: 3 of 1,592,266 alleles (0.00019%); highest among the groups gnomAD compares: Non-Finnish European, 0.00026%; no homozygotes.

Submission:

CeGaT Center for Human Genetics Tuebingen
Classification: Likely benign. Last evaluated: 2026-07-01. Review status: criteria provided, single submitter. Criteria: CeGaT Center For Human Genetics Tuebingen Variant Classification Criteria Version 2. Collection method: clinical testing. Allele origin: germline. Affected: yes. Observed: 1 variant allele.
Comment: TAPT1: BP4, BP7

NM_153365.3(TAPT1):c.1155C>T (p.Ser385=)

Gene: TAPT1 (transmembrane anterior posterior transformation 1; minus strand). Cytogenetic location: 4p15.32.
Variant type: single nucleotide variant.
Coding change: c.1155C>T on transcript NM_153365.3 (MANE Select); coding-DNA position 1155, C replaced by T.
Protein change: p.Ser385=; no amino-acid change (serine 385 retained).
Molecular consequence: synonymous variant.
Genome position (GRCh38, 1-based): chr4:16,174,682, G>A on the plus strand (C>T on the coding strand, the complement: TAPT1 is on the minus strand). VCF-style: chr4-16174682-G-A. GRCh37 (hg19) VCF-style: chr4-16176305-G-A.
Identifiers: ClinVar variation 5039271 (VCV005039271.1).